The following is an entry in ClinVar:

NM_006218.4(PIK3CA):c.946C>A (p.Pro316Thr)

Gene: PIK3CA (phosphatidylinositol-4,5-bisphosphate 3-kinase catalytic subunit alpha; plus strand). Cytogenetic location: 3q26.32.
Variant type: single nucleotide variant.
Coding change: c.946C>A on transcript NM_006218.4 (MANE Select); coding-DNA position 946, C replaced by A.
Protein change: p.Pro316Thr; replaces proline 316 with threonine.
Molecular consequence: missense variant.
Genome position (GRCh38, 1-based): chr3:179,203,676, C>A. VCF-style: chr3-179203676-C-A. GRCh37 (hg19) VCF-style: chr3-178921464-C-A.
Other names: c.946C>A (LRG_310t1); short protein forms P316T.
Identifiers: ClinVar variation 641722 (VCV000641722.11), dbSNP rs1297000505, ClinGen allele CA355280591.

ClinVar aggregate classification (germline): Uncertain significance. Review status: criteria provided, multiple submitters, no conflicts (2 of 4 stars). 2 submissions from 2 submitters: Uncertain significance (2). Last evaluated 2021-06-25.

Conditions:
Inborn genetic diseases. Identifiers: MedGen C0950123, MeSH D030342.
Cowden syndrome (CS). Also called: Cowden's disease; Cowden's syndrome; Cowden disease. Identifiers: Orphanet 201, MedGen C0018553, MONDO:0016063. Disease mechanism: gain of function.

Allele frequency attached by ClinVar (database versions not stated): gnomAD exomes below 0.00001 and 0.00001; TOPMed below 0.00001.
gnomAD v4.1: 2 of 1,613,786 alleles (0.00012%); highest among the groups gnomAD compares: East Asian, 0.0045%; no homozygotes.

Submissions (2):

Ambry Genetics
Classification: Uncertain significance for Inborn genetic diseases. Last evaluated: 2021-06-25. Review status: criteria provided, single submitter. Criteria: Ambry Variant Classification Scheme 2023. Collection method: clinical testing. Allele origin: germline.
Comment: The p.P316T variant (also known as c.946C>A), located in coding exon 4 of the PIK3CA gene, results from a C to A substitution at nucleotide position 946. The proline at codon 316 is replaced by threonine, an amino acid with highly similar properties. This amino acid position is conserved. In addition, this alteration is predicted to be tolerated by in silico analysis. Since supporting evidence is limited at this time, the clinical significance of this alteration remains unclear.

Labcorp Genetics (formerly Invitae), Labcorp
Classification: Uncertain significance for Cowden syndrome. Last evaluated: 2018-10-02. Review status: criteria provided, single submitter. Criteria: Invitae Variant Classification Sherloc (09022015). Collection method: clinical testing. Allele origin: germline.
Comment: In summary, the available evidence is currently insufficient to determine the role of this variant in disease. Therefore, it has been classified as a Variant of Uncertain Significance. Algorithms developed to predict the effect of missense changes on protein structure and function are either unavailable or do not agree on the potential impact of this missense change (SIFT: "Tolerated"; PolyPhen-2: "Benign"; Align-GVGD: "Class C0"). This variant has not been reported in the literature in individuals with PIK3CA-related disease. This variant is not present in population databases (ExAC no frequency). This sequence change replaces proline with threonine at codon 316 of the PIK3CA protein (p.Pro316Thr). The proline residue is highly conserved and there is a small physicochemical difference between proline and threonine.